The following is an entry in ClinVar:

ClinVar aggregate classification (germline): Uncertain significance (1 of 4 stars; one submission).

Conditions:
Hereditary pancreatitis (PCTT). Also called: Hereditary chronic pancreatitis; PRSS1-Related Hereditary Pancreatitis. Identifiers: Orphanet 676, MedGen C0238339, MONDO:0008185, OMIM 167800.

Allele frequency attached by ClinVar (database versions not stated): ExAC 0.00001; gnomAD 0.00001.
gnomAD v4.1: 5 of 1,614,070 alleles (0.00031%); highest among the groups gnomAD compares: Non-Finnish European, 0.00042%; no homozygotes.

Submission:

Ambry Genetics
Classification: Uncertain significance for Hereditary pancreatitis. Last evaluated: 2025-04-21. Review status: criteria provided, single submitter. Criteria: Ambry Variant Classification Scheme 2023. Collection method: clinical testing. Allele origin: germline.
Comment: The p.C196G variant (also known as c.586T>G), located in coding exon 4 of the PRSS1 gene, results from a T to G substitution at nucleotide position 586. The cysteine at codon 196 is replaced by glycine, an amino acid with highly dissimilar properties. This amino acid position is highly conserved in available vertebrate species. In addition, this alteration is predicted to be deleterious by in silico analysis. Based on the available evidence, the clinical significance of this variant remains unclear.

NM_002769.5(PRSS1):c.586T>G (p.Cys196Gly)

Genes: PRSS1 (serine protease 1; plus strand), TRB (T cell receptor beta locus; plus strand). Cytogenetic location: 7q34.
Variant type: single nucleotide variant.
Coding change: c.586T>G on transcript NM_002769.5 (MANE Select); coding-DNA position 586, T replaced by G.
Protein change: p.Cys196Gly; replaces cysteine 196 with glycine.
Molecular consequence: missense variant. On other transcripts: non-coding transcript variant (5).
Genome position (GRCh38, 1-based): chr7:142,752,562, T>G. VCF-style: chr7-142752562-T-G. GRCh37 (hg19) VCF-style: chr7-142460413-T-G.
Other names: short protein forms C196G.
Identifiers: ClinVar variation 1750193 (VCV001750193.3), dbSNP rs763907908, ClinGen allele CA4530067.